The following is an entry in ClinVar:

ClinVar aggregate classification (germline): Uncertain significance (1 of 4 stars; one submission).

Submission:

Ambry Genetics
Classification: Uncertain significance. Last evaluated: 2025-10-08. Review status: criteria provided, single submitter. Criteria: Ambry Variant Classification Scheme 2023. Collection method: clinical testing. Allele origin: germline.
Comment: The c.2400-5A>C intronic variant results from an A to C substitution 5 nucleotides upstream from coding exon 23 in the KIF1B gene. This nucleotide position is not well conserved in available vertebrate species. In silico splice site analysis for this alteration is inconclusive. The evidence for this gene-disease relationship is limited; therefore, the clinical significance of this alteration is unclear.

NM_001365951.3(KIF1B):c.2538-5A>C

Gene: KIF1B (kinesin family member 1B; plus strand). Cytogenetic location: 1p36.22.
Variant type: single nucleotide variant.
Coding change: c.2538-5A>C on transcript NM_001365951.3 (MANE Select); 5 bases into the intron before coding-DNA position 2538, A replaced by C.
Molecular consequence: intron variant.
Genome position (GRCh38, 1-based): chr1:10,324,753, A>C. VCF-style: chr1-10324753-A-C. GRCh37 (hg19) VCF-style: chr1-10384811-A-C.
Other names: c.2400-5A>C (NM_015074.3); c.2538-5A>C (NM_001365952.1).
Identifiers: ClinVar variation 4543637 (VCV004543637.1).